The following is an entry in ClinVar:

GRCh37/hg19 7p22.1(chr7:6406506-6466407)x1

Genes: DAGLB (diacylglycerol lipase beta; minus strand), RAC1 (Rac family small GTPase 1; plus strand). Cytogenetic location: 7p22.1.
Variant type: copy number loss.
Change: copy number 1 (one copy instead of two) of chr7:6,406,506-6,466,407 (59.9 kb, GRCh37 coordinates, 1-based), cytogenetic band 7p22.1.
Identifiers: ClinVar variation 988935 (VCV000988935.4).

ClinVar aggregate classification (germline): Uncertain significance (1 of 4 stars; one submission).

Submission:

Illumina Laboratory Services, Illumina
Classification: Uncertain significance. Last evaluated: 2020-11-16. Review status: criteria provided, single submitter. Criteria: ICSL CNVClassificationCriteria Aug2020. Collection method: clinical testing. Allele origin: unknown.
Comment: This CNV is an inherited 60 kb deletion of 7p22.1 on chromosome 7, (seq[GRCh37]del(7)(p22.1); chr7:g.6406506_6466407del). This CNV constitutes a loss encompassing two genes, RAC1 and DAGLB. Variants in the RAC1 gene are known to cause RAC1-related intellectual disability. Patients with similar losses have not been reported in the literature. This CNV partially overlaps with two larger losses in the DECIPHER database, both of which are classified as variants of uncertain significance and associated with cognitive impairment or global developmental delay phenotypes. Two slightly larger losses that encompass this CNV have been reported in controls. Based on the limited evidence currently available, this CNV is classified as a variant of uncertain significance.